The following is an entry in ClinVar:

NM_001164508.2(NEB):c.19311C>T (p.Ser6437=)

Gene: NEB (nebulin; minus strand). Cytogenetic location: 2q23.3.
Variant type: single nucleotide variant.
Coding change: c.19311C>T on transcript NM_001164508.2 (MANE Select); coding-DNA position 19311, C replaced by T.
Protein change: p.Ser6437=; no amino-acid change (serine 6437 retained).
Molecular consequence: synonymous variant.
Genome position (GRCh38, 1-based): chr2:151,560,595, G>A on the plus strand (C>T on the coding strand, the complement: NEB is on the minus strand). VCF-style: chr2-151560595-G-A. GRCh37 (hg19) VCF-style: chr2-152417109-G-A.
Other names: p.Ser6437=; c.19311C>T, p.Ser6437= (NM_001164507.2, NM_001271208.2); c.14208C>T, p.Ser4736= (NM_004543.5).
Identifiers: ClinVar variation 129718 (VCV000129718.24), dbSNP rs16830216, ClinGen allele CA153914.

ClinVar aggregate classification (germline): Benign. Review status: criteria provided, multiple submitters, no conflicts (2 of 4 stars). 8 submissions from 8 submitters: Benign (6). 2 of the submissions do not count toward it. Last evaluated 2026-02-02.

Conditions:
Nemaline myopathy 2 (NEM2). Also called: Nemaline myopathy 2, autosomal recessive. Identifiers: MedGen C1850569, MONDO:0009725, OMIM 256030.

Allele frequency attached by ClinVar (database versions not stated): gnomAD exomes 0.00215; ExAC 0.00379; ESP Exome Variant Server 0.00803; gnomAD 0.00846 and 0.00914; TOPMed 0.00960; 1000 Genomes Project 0.00998; 1000 Genomes Project 30x 0.01015.
gnomAD v4.1: 2,508 of 1,608,496 alleles (0.16%); highest among the groups gnomAD compares: African/African-American, 3%; 47 homozygotes.

Submissions (8):

Labcorp Genetics (formerly Invitae), Labcorp
Classification: Benign for Nemaline myopathy 2. Last evaluated: 2026-02-02. Review status: criteria provided, single submitter. Criteria: Invitae Variant Classification Sherloc (09022015). Collection method: clinical testing. Allele origin: germline.

Mayo Clinic Laboratories, Mayo Clinic
Classification: Benign. Last evaluated: 2022-09-02. Review status: criteria provided, single submitter. Criteria: ACMG Guidelines, 2015. Collection method: clinical testing. Allele origin: germline. Observed: 4 variant alleles.
Comment: BA1, BS2, BP4, BP7

Athena Diagnostics
Classification: Benign. Last evaluated: 2018-05-25. Review status: criteria provided, single submitter. Criteria: Athena Diagnostics Criteria. Collection method: clinical testing. Allele origin: germline.

Illumina Laboratory Services, Illumina
Classification: Benign for Nemaline myopathy 2. Last evaluated: 2018-01-12. Review status: criteria provided, single submitter. Criteria: ICSL Variant Classification Criteria 13 December 2019. Collection method: clinical testing. Allele origin: germline.
Comment: This variant was observed in the ICSL laboratory as part of a predisposition screen in an ostensibly healthy population. It had not been previously curated by ICSL or reported in the Human Gene Mutation Database (HGMD: prior to June 1st, 2018), and was therefore a candidate for classification through an automated scoring system. Utilizing variant allele frequency, disease prevalence and penetrance estimates, and inheritance mode, an automated score was calculated to assess if this variant is too frequent to cause the disease. Based on the score and internal cut-off values, a variant classified as benign is not then subjected to further curation. The score for this variant resulted in a classification of benign for this disease.

GeneDx
Classification: Benign. Last evaluated: 2016-07-08. Review status: criteria provided, single submitter. Criteria: GeneDx Variant Classification (06012015). Collection method: clinical testing. Allele origin: germline. Affected: yes.
Comment: This variant is considered likely benign or benign based on one or more of the following criteria: it is a conservative change, it occurs at a poorly conserved position in the protein, it is predicted to be benign by multiple in silico algorithms, and/or has population frequency not consistent with disease.

Breakthrough Genomics
Classification: Benign. Review status: criteria provided, single submitter. Criteria: ACMG Guidelines, 2015. Collection method: not provided. Allele origin: germline. Inheritance: Autosomal recessive inheritance. Affected: yes.

Natera, Inc.
Classification: Benign for Nemaline myopathy type 2. Last evaluated: 2020-09-16. Review status: no assertion criteria provided. Collection method: clinical testing. Allele origin: germline. Not counted in ClinVar's aggregate classification.

Genetic Services Laboratory, University of Chicago
Classification: Likely benign for AllHighlyPenetrant. Review status: no assertion criteria provided. Collection method: clinical testing. Allele origin: germline. Inheritance: Autosomal recessive inheritance. Not counted in ClinVar's aggregate classification.
Comment: Likely benign based on allele frequency in 1000 Genomes Project or ESP global frequency and its presence in a patient with a rare or unrelated disease phenotype. NOT Sanger confirmed.